The following is an entry in ClinVar:

NM_002968.3(SALL1):c.1033G>A (p.Ala345Thr)

Gene: SALL1 (spalt like transcription factor 1; minus strand). Cytogenetic location: 16q12.1.
Variant type: single nucleotide variant.
Coding change: c.1033G>A on transcript NM_002968.3 (MANE Select); coding-DNA position 1033, G replaced by A.
Protein change: p.Ala345Thr; replaces alanine 345 with threonine.
Molecular consequence: missense variant.
Genome position (GRCh38, 1-based): chr16:51,141,189, C>T on the plus strand (G>A on the coding strand, the complement: SALL1 is on the minus strand). VCF-style: chr16-51141189-C-T. GRCh37 (hg19) VCF-style: chr16-51175100-C-T.
Other names: c.742G>A, p.Ala248Thr (NM_001127892.2); short protein forms A248T, A345T.
Identifiers: ClinVar variation 3769208 (VCV003769208.2).

ClinVar aggregate classification (germline): Uncertain significance (1 of 4 stars; one submission).

gnomAD v4.1: 4 of 1,614,138 alleles (0.00025%); highest among the groups gnomAD compares: Non-Finnish European, 0.00034%; no homozygotes.

Submission:

Women's Health and Genetics/Laboratory Corporation of America, LabCorp
Classification: Uncertain significance. Last evaluated: 2025-01-07. Review status: criteria provided, single submitter. Criteria: LabCorp Variant Classification Summary - May 2015. Collection method: clinical testing. Allele origin: germline.
Comment: Variant summary: SALL1 c.1033G>A (p.Ala345Thr) results in a non-conservative amino acid change in the encoded protein sequence. Three of five in-silico tools predict a benign effect of the variant on protein function. The variant was absent in 251252 control chromosomes (gnomAD). The available data on variant occurrences in the general population are insufficient to allow any conclusion about variant significance. To our knowledge, no occurrence of c.1033G>A in individuals affected with Townes-Brocks Syndrome 1 and no experimental evidence demonstrating its impact on protein function have been reported. No submitters have cited clinical-significance assessments for this variant to ClinVar. Based on the evidence outlined above, the variant was classified as uncertain significance.